The following is an entry in ClinVar:

ClinVar aggregate classification (germline): Likely pathogenic. Review status: criteria provided, multiple submitters, no conflicts (2 of 4 stars). 2 submissions from 2 submitters: Likely pathogenic (2). Last evaluated 2024-04-07.

Conditions:
Asphyxiating thoracic dystrophy 3. Also called: Saldino-Noonan Syndrome; SHORT-RIB THORACIC DYSPLASIA 3 WITH OR WITHOUT POLYDACTYLY; POLYDACTYLY WITH NEONATAL CHONDRODYSTROPHY, TYPE I; SHORT-RIB THORACIC DYSPLASIA 3/6 WITH POLYDACTYLY, DIGENIC; Short rib polydactyly syndrome 2B. Identifiers: Orphanet 474, Orphanet 93269, Orphanet 93270, Orphanet 93271, MedGen C0036069, MONDO:0013127, OMIM 613091.

Submissions (2):

Fulgent Genetics
Classification: Likely pathogenic for Asphyxiating thoracic dystrophy 3. Last evaluated: 2024-04-07. Review status: criteria provided, single submitter. Criteria: ACMG Guidelines, 2015. Collection method: clinical testing. Allele origin: germline.

Juno Genomics, Hangzhou Juno Genomics, Inc
Classification: Likely pathogenic for Asphyxiating thoracic dystrophy 3. Review status: criteria provided, single submitter. Criteria: ACMG Guidelines, 2015. Collection method: clinical testing. Allele origin: germline.
Comment: Absent from controls (or at extremely low frequency if recessive) in Genome Aggregation Database.;Null variant in a gene where loss of function (LOF) is a known mechanism of disease.

NM_001377.3(DYNC2H1):c.3022_3025del (p.Ile1008fs)

Gene: DYNC2H1 (dynein cytoplasmic 2 heavy chain 1; plus strand). Cytogenetic location: 11q22.3.
Variant type: Deletion.
Coding change: c.3022_3025del on transcript NM_001377.3 (MANE Select); coding-DNA positions 3022 to 3025, 4 bases deleted (ATTA; older notation c.3022_3025delATTA).
Protein change: p.Ile1008fs; shifts the reading frame from isoleucine 1008.
Molecular consequence: frameshift variant.
Genome position (GRCh38, 1-based): chr11:103,152,211-103,152,214, ATTA deleted; deleting any 4 consecutive bases within chr11:103,152,210-103,152,214 gives the same sequence; the c. name uses the placement nearest the transcript's 3' end. VCF-style (leftmost placement, unchanged base first): chr11-103152209-CAATT-C. GRCh37 (hg19) VCF-style: chr11-103022938-CAATT-C.
Other names: c.3022_3025del, p.Ile1008fs (NM_001080463.2); short protein forms I1008fs.
Identifiers: ClinVar variation 3598867 (VCV003598867.4).